The following is an entry in ClinVar:

ClinVar aggregate classification (germline): Uncertain significance (1 of 4 stars; one submission).

Submission:

GeneDx
Classification: Uncertain significance. Last evaluated: 2025-06-13. Review status: criteria provided, single submitter. Criteria: GeneDx Variant Classification Process June 2021. Collection method: clinical testing. Allele origin: germline. Affected: yes.
Comment: Not observed at significant frequency in large population cohorts (gnomAD); In silico analysis supports that this missense variant has a deleterious effect on protein structure/function; Has not been previously published as pathogenic or benign to our knowledge

NM_002633.3(PGM1):c.985C>A (p.Arg329Ser)

Gene: PGM1 (phosphoglucomutase 1; plus strand). Cytogenetic location: 1p31.3.
Variant type: single nucleotide variant.
Coding change: c.985C>A on transcript NM_002633.3 (MANE Select); coding-DNA position 985, C replaced by A.
Protein change: p.Arg329Ser; replaces arginine 329 with serine.
Molecular consequence: missense variant.
Genome position (GRCh38, 1-based): chr1:63,636,345, C>A. VCF-style: chr1-63636345-C-A. GRCh37 (hg19) VCF-style: chr1-64102016-C-A.
Other names: c.1039C>A, p.Arg347Ser (NM_001172818.1); c.394C>A, p.Arg132Ser (NM_001172819.2); short protein forms R132S, R329S, R347S.
Identifiers: ClinVar variation 4537716 (VCV004537716.1).